The following is an entry in ClinVar:

ClinVar aggregate classification (germline): Uncertain significance (1 of 4 stars; one submission).

Submission:

GeneDx
Classification: Uncertain significance. Last evaluated: 2023-09-14. Review status: criteria provided, single submitter. Criteria: GeneDx Variant Classification Process June 2021. Collection method: clinical testing. Allele origin: germline. Affected: yes.
Comment: Not observed in large population cohorts (gnomAD); In silico analysis supports that this missense variant has a deleterious effect on protein structure/function; Has not been previously published as pathogenic or benign to our knowledge

NM_001205293.3(CACNA1E):c.6350G>T (p.Arg2117Leu)

Gene: CACNA1E (calcium voltage-gated channel subunit alpha1 E; plus strand). Cytogenetic location: 1q25.3.
Variant type: single nucleotide variant.
Coding change: c.6350G>T on transcript NM_001205293.3 (MANE Select); coding-DNA position 6350, G replaced by T.
Protein change: p.Arg2117Leu; replaces arginine 2117 with leucine.
Molecular consequence: missense variant.
Genome position (GRCh38, 1-based): chr1:181,796,809, G>T. VCF-style: chr1-181796809-G-T. GRCh37 (hg19) VCF-style: chr1-181765945-G-T.
Other names: c.6221G>T, p.Arg2074Leu (NM_000721.4); c.6164G>T, p.Arg2055Leu (NM_001205294.2); short protein forms R2055L, R2074L, R2117L.
Identifiers: ClinVar variation 1310932 (VCV001310932.4), dbSNP rs376695821, ClinGen allele CA343633574.